The following is an entry in ClinVar:

NM_004415.4(DSP):c.6766_6767insTG (p.Gly2256fs)

Gene: DSP (desmoplakin; plus strand). Cytogenetic location: 6p24.3.
Variant type: Insertion.
Coding change: c.6766_6767insTG on transcript NM_004415.4 (MANE Select); coding-DNA positions 6766 to 6767, TG inserted.
Protein change: p.Gly2256fs; shifts the reading frame from glycine 2256.
Molecular consequence: frameshift variant.
Genome position: GRCh38 VCF-style: chr6-7584027-G-GGT. GRCh37 (hg19) VCF-style: chr6-7584260-G-GGT.
Other names: c.4969_4970insTG, p.Gly1657fs (NM_001008844.3); c.5437_5438insTG, p.Gly1813fs (NM_001319034.2); short protein forms G2256fs, G1813fs, G1657fs.
Identifiers: ClinVar variation 1388635 (VCV001388635.6), dbSNP rs2113701020, ClinGen allele CA2573140819.

ClinVar aggregate classification (germline): Pathogenic (1 of 4 stars; one submission).

Conditions:
Arrhythmogenic right ventricular dysplasia 8 (ARVD8). Also called: ARRHYTHMOGENIC RIGHT VENTRICULAR DYSPLASIA, FAMILIAL, 8; ARRHYTHMOGENIC RIGHT VENTRICULAR CARDIOMYOPATHY 8; Arrhythmogenic Right Ventricular Dysplasia/Cardiomyopathy 8. Identifiers: MedGen C1843896, MONDO:0011831, OMIM 607450.
Arrhythmogenic cardiomyopathy with wooly hair and keratoderma. Also called: Carvajal syndrome; Dilated cardiomyopathy with woolly hair and keratoderma; PALMOPLANTAR KERATODERMA WITH LEFT VENTRICULAR CARDIOMYOPATHY AND WOOLLY HAIR; Arrhythmogenic cardiomyopathy with woolly hair and keratoderma. Identifiers: Orphanet 65282, MedGen C1854063, MONDO:0011581, OMIM 605676.

Submission:

Labcorp Genetics (formerly Invitae), Labcorp
Classification: Pathogenic for Arrhythmogenic cardiomyopathy with wooly hair and keratoderma; Arrhythmogenic right ventricular dysplasia 8. Last evaluated: 2021-09-22. Review status: criteria provided, single submitter. Criteria: Invitae Variant Classification Sherloc (09022015). Collection method: clinical testing. Allele origin: germline.
Comment: For these reasons, this variant has been classified as Pathogenic. This variant disrupts a region of the DSP protein in which other variant(s) (p.Glu2728Glyfs*11) have been determined to be pathogenic (Invitae). This suggests that this is a clinically significant region of the protein, and that variants that disrupt it are likely to be disease-causing. Algorithms developed to predict the effect of sequence changes on RNA splicing suggest that this variant may create or strengthen a splice site. This variant has not been reported in the literature in individuals affected with DSP-related conditions. This variant is not present in population databases (ExAC no frequency). This sequence change creates a premature translational stop signal (p.Gly2256Valfs*6) in the DSP gene. While this is not anticipated to result in nonsense mediated decay, it is expected to disrupt the last 616 amino acid(s) of the DSP protein.